The following is an entry in ClinVar:

NM_004758.4(TSPOAP1):c.1342C>T (p.Arg448Trp)

Gene: TSPOAP1 (TSPO associated protein 1; minus strand). Cytogenetic location: 17q22.
Variant type: single nucleotide variant.
Coding change: c.1342C>T on transcript NM_004758.4 (MANE Select); coding-DNA position 1342, C replaced by T.
Protein change: p.Arg448Trp; replaces arginine 448 with tryptophan.
Molecular consequence: missense variant.
Genome position (GRCh38, 1-based): chr17:58,322,388, G>A on the plus strand (C>T on the coding strand, the complement: TSPOAP1 is on the minus strand). VCF-style: chr17-58322388-G-A. GRCh37 (hg19) VCF-style: chr17-56399749-G-A.
Other names: c.1342C>T, p.Arg448Trp (NM_001261835.2); c.1162C>T, p.Arg388Trp (NM_024418.3); short protein forms R388W, R448W.
Identifiers: ClinVar variation 4884293 (VCV004884293.1).

ClinVar aggregate classification (germline): Uncertain significance (1 of 4 stars; one submission).

Conditions:
Dystonia 22, juvenile-onset (DYT22JO). Identifiers: MedGen C5830645, MONDO:0957539, OMIM 620453.

gnomAD v4.1: 140 of 1,606,262 alleles (0.0087%); highest among the groups gnomAD compares: East Asian, 0.036%; no homozygotes.

Submission:

Department of Neurology, Jinhua Municipal Central Hospital
Classification: Uncertain significance for Dystonia 22, juvenile-onset. Last evaluated: 2026-08-04. Review status: criteria provided, single submitter. Criteria: ACMG Guidelines, 2015. Collection method: provider interpretation. Allele origin: maternal, unknown. Inheritance: Autosomal recessive inheritance. Observed: 2 variant alleles, 2 heterozygotes. Clinical features observed: Ataxia (HP:0001251), Dystonic disorder (HP:0001332), Dysarthria (HP:0001260), Cerebellar atrophy (HP:0001272).
Comment: Based on the ACMG/AMP framework, this variant is classified as a variant of uncertain significance because the available evidence is insufficient to establish or exclude pathogenicity. No functional validation or independent affected families are currently available.